The following is an entry in ClinVar:

NM_000540.3(RYR1):c.8692+9G>A

Gene: RYR1 (ryanodine receptor 1; plus strand). Cytogenetic location: 19q13.2.
Variant type: single nucleotide variant.
Coding change: c.8692+9G>A on transcript NM_000540.3 (MANE Select); 9 bases into the intron after coding-DNA position 8692, G replaced by A.
Molecular consequence: intron variant.
Genome position (GRCh38, 1-based): chr19:38,506,555, G>A. VCF-style: chr19-38506555-G-A. GRCh37 (hg19) VCF-style: chr19-38997195-G-A.
Other names: c.8692+9G>A (NM_001042723.2, NM_000540.2).
Identifiers: ClinVar variation 1657757 (VCV001657757.10), dbSNP rs1970459734, ClinGen allele CA2335056690.

ClinVar aggregate classification (germline): Likely benign. Review status: criteria provided, single submitter (1 of 4 stars). 2 submissions from 2 submitters: Likely benign (1). 1 of the submissions does not count toward it. Last evaluated 2023-12-24.

Conditions:
RYR1-related disorder. Also called: RYR1-related condition; RYR1-related disorders. Identifiers: MedGen CN239331.

Allele frequency attached by ClinVar (database versions not stated): gnomAD exomes 0.00001; TOPMed below 0.00001.
gnomAD v4.1: 9 of 1,613,692 alleles (0.00056%); highest among the groups gnomAD compares: Non-Finnish European, 0.00068%; no homozygotes.

Submissions (2):

Labcorp Genetics (formerly Invitae), Labcorp
Classification: Likely benign for RYR1-related disorder. Last evaluated: 2023-12-24. Review status: criteria provided, single submitter. Criteria: Invitae Variant Classification Sherloc (09022015). Collection method: clinical testing. Allele origin: germline.

PreventionGenetics, part of Exact Sciences
Classification: Likely benign for RYR1-related condition. Last evaluated: 2022-03-15. Review status: no assertion criteria provided. Collection method: clinical testing. Allele origin: germline. Not counted in ClinVar's aggregate classification.
Comment: This variant is classified as likely benign based on ACMG/AMP sequence variant interpretation guidelines (Richards et al. 2015 PMID: 25741868, with internal and published modifications).